The following is an entry in ClinVar:

ClinVar aggregate classification (germline): Uncertain significance (1 of 4 stars; one submission).

Submission:

Ambry Genetics
Classification: Uncertain significance. Last evaluated: 2024-11-28. Review status: criteria provided, single submitter. Criteria: Ambry Variant Classification Scheme 2023. Collection method: clinical testing. Allele origin: germline.
Comment: The p.I32R variant (also known as c.95T>G), located in coding exon 3 of the RINT1 gene, results from a T to G substitution at nucleotide position 95. The isoleucine at codon 32 is replaced by arginine, an amino acid with similar properties. This amino acid position is conserved. In addition, this alteration is predicted to be tolerated by in silico analysis. Based on the available evidence, the clinical significance of this variant remains unclear.

NM_021930.6(RINT1):c.95T>G (p.Ile32Arg)

Gene: RINT1 (RAD50 interactor 1; plus strand). Cytogenetic location: 7q22.3.
Variant type: single nucleotide variant.
Coding change: c.95T>G on transcript NM_021930.6 (MANE Select); coding-DNA position 95, T replaced by G.
Protein change: p.Ile32Arg; replaces isoleucine 32 with arginine.
Molecular consequence: missense variant. On other transcripts: 5 prime UTR variant (4), non-coding transcript variant (1).
Genome position (GRCh38, 1-based): chr7:105,536,571, T>G. VCF-style: chr7-105536571-T-G. GRCh37 (hg19) VCF-style: chr7-105177018-T-G.
Other names: c.-3T>G (NM_001346599.2); c.-925T>G (NM_001346600.2); c.-828T>G (NM_001346601.2); c.-448T>G (NM_001346603.2); short protein forms I32R.
Identifiers: ClinVar variation 3433662 (VCV003433662.1).